The following is an entry in ClinVar:

ClinVar aggregate classification (germline): Conflicting classifications of pathogenicity. Review status: criteria provided, conflicting classifications (1 of 4 stars). 6 submissions from 6 submitters: Uncertain significance (3); Benign (2); Likely benign (1). Last evaluated 2026-01-11.

Conditions:
Hereditary cancer-predisposing syndrome. Also called: Hereditary neoplastic syndrome; Neoplastic Syndromes, Hereditary; Tumor predisposition; Hereditary Cancer Syndrome. Identifiers: Orphanet 140162, MedGen C0027672, MeSH D009386, MONDO:0015356.
Autosomal recessive nonsyndromic hearing loss 97. Also called: Deafness, autosomal recessive 97. Identifiers: Orphanet 90636, MedGen C4084709, MONDO:0014739, OMIM 616705.
Hepatocellular carcinoma (HCC). Also called: Primary carcinoma of liver; HEPATOMA; LIVER CELL CARCINOMA. Identifiers: Orphanet 88673, MedGen C2239176, MONDO:0007256, OMIM 114550, HP:0001402.
Arthrogryposis, distal, IIa 11. Also called: Arthrogryposis, distal, type 11. Identifiers: MedGen C5774205, MONDO:0031045, OMIM 620019.
Osteofibrous dysplasia (OSFD). Also called: Tibia, bowing of, with pseudarthrosis and pectus excavatum. Identifiers: Orphanet 488265, MedGen C4085248, MONDO:0011806, OMIM 607278.
Papillary renal cell carcinoma type 1 (RCCP1). Also called: RENAL CELL CARCINOMA, PAPILLARY, 1, SOMATIC; Renal adenocarcinoma; Renal cell carcinoma 1; Renal cell carcinoma, somatic. Identifiers: Orphanet 47044, MedGen C1336839, OMIM 605074, HP:0011797.
Renal cell carcinoma. Identifiers: Orphanet 217071, MedGen C0007134, MeSH D002292, MONDO:0005086, HP:0005584.
Ovarian cancer. Also called: OVARIAN CANCER, SOMATIC. Identifiers: Orphanet 213500, MedGen C1140680, MONDO:0008170, OMIM 167000.

Allele frequency attached by ClinVar (database versions not stated): gnomAD 0.00001; gnomAD exomes 0.00001 and 0.00003; TOPMed 0.00002; ExAC 0.00003.
gnomAD v4.1: 8 of 1,613,920 alleles (0.0005%); highest among the groups gnomAD compares: East Asian, 0.018%; no homozygotes.

Submissions (6):

Labcorp Genetics (formerly Invitae), Labcorp
Classification: Likely benign for Renal cell carcinoma. Last evaluated: 2026-01-11. Review status: criteria provided, single submitter. Criteria: Invitae Variant Classification Sherloc (09022015). Collection method: clinical testing. Allele origin: germline.

Quest Diagnostics Nichols Institute San Juan Capistrano
Classification: Uncertain significance. Last evaluated: 2024-02-16. Review status: criteria provided, single submitter. Criteria: Quest Diagnostics criteria. Collection method: clinical testing. Allele origin: unknown.

Ambry Genetics
Classification: Benign for Hereditary cancer-predisposing syndrome. Last evaluated: 2023-09-03. Review status: criteria provided, single submitter. Criteria: Ambry Variant Classification Scheme 2023. Collection method: clinical testing. Allele origin: germline.

Laboratory of Molecular Epidemiology of Birth Defects, West China Second University Hospital, Sichuan University
Classification: Benign for Ovarian cancer. Last evaluated: 2022-01-01. Review status: criteria provided, single submitter. Criteria: ACMG Guidelines, 2015. Collection method: clinical testing. Allele origin: germline. Affected: yes.

Department of Pathology and Laboratory Medicine, Sinai Health System
Classification: Uncertain significance for Hepatocellular carcinoma; Papillary renal cell carcinoma type 1; Osteofibrous dysplasia; Autosomal recessive nonsyndromic hearing loss 97; Arthrogryposis, distal, IIa 11. Last evaluated: 2021-07-30. Review status: criteria provided, single submitter. Criteria: ACMG Guidelines, 2015. Collection method: research. Allele origin: germline.

GeneDx
Classification: Uncertain significance. Last evaluated: 2019-06-28. Review status: criteria provided, single submitter. Criteria: GeneDx Variant Classification Process June 2021. Collection method: clinical testing. Allele origin: germline. Affected: yes.
Comment: Not observed at a significant frequency in large population cohorts (Lek et al., 2016); In silico analysis, which includes protein predictors and evolutionary conservation, supports that this variant does not alter protein structure/function; Has not been previously published as pathogenic or benign to our knowledge

NM_000245.4(MET):c.617T>C (p.Phe206Ser)

Gene: MET (MET proto-oncogene, receptor tyrosine kinase; plus strand). Cytogenetic location: 7q31.2.
Variant type: single nucleotide variant.
Coding change: c.617T>C on transcript NM_000245.4 (MANE Select); coding-DNA position 617, T replaced by C.
Protein change: p.Phe206Ser; replaces phenylalanine 206 with serine.
Molecular consequence: missense variant. On other transcripts: intron variant (1).
Genome position (GRCh38, 1-based): chr7:116,699,701, T>C. VCF-style: chr7-116699701-T-C. GRCh37 (hg19) VCF-style: chr7-116339755-T-C.
Other names: c.617T>C (NM_001127500.2); c.617T>C, p.Phe206Ser (NM_001127500.3, NM_001324401.3); c.-91+27124T>C (NM_001324402.2); short protein forms F206S.
Identifiers: ClinVar variation 1320342 (VCV001320342.16), dbSNP rs746295363, ClinGen allele CA4448009.